The following is an entry in ClinVar:

ClinVar aggregate classification (germline): Uncertain significance (1 of 4 stars; one submission).

Allele frequency attached by ClinVar (database versions not stated): gnomAD exomes below 0.00001; ExAC 0.00001; ESP Exome Variant Server 0.00016.
gnomAD v4.1: 9 of 1,612,752 alleles (0.00056%); highest among the groups gnomAD compares: Non-Finnish European, 0.00051%; no homozygotes.

Submission:

Labcorp Genetics (formerly Invitae), Labcorp
Classification: Uncertain significance. Last evaluated: 2023-12-19. Review status: criteria provided, single submitter. Criteria: Invitae Variant Classification Sherloc (09022015). Collection method: clinical testing. Allele origin: germline.
Comment: This sequence change replaces alanine, which is neutral and non-polar, with threonine, which is neutral and polar, at codon 1453 of the ROBO1 protein (p.Ala1453Thr). This variant is present in population databases (rs370200985, gnomAD 0.0009%). This variant has not been reported in the literature in individuals affected with ROBO1-related conditions. Advanced modeling of protein sequence and biophysical properties (such as structural, functional, and spatial information, amino acid conservation, physicochemical variation, residue mobility, and thermodynamic stability) performed at Invitae indicates that this missense variant is not expected to disrupt ROBO1 protein function with a negative predictive value of 95%. In summary, the available evidence is currently insufficient to determine the role of this variant in disease. Therefore, it has been classified as a Variant of Uncertain Significance.

NM_002941.4(ROBO1):c.4357G>A (p.Ala1453Thr)

Gene: ROBO1 (roundabout guidance receptor 1; minus strand). Cytogenetic location: 3p12.3.
Variant type: single nucleotide variant.
Coding change: c.4357G>A on transcript NM_002941.4 (MANE Select); coding-DNA position 4357, G replaced by A.
Protein change: p.Ala1453Thr; replaces alanine 1453 with threonine.
Molecular consequence: missense variant.
Genome position (GRCh38, 1-based): chr3:78,614,726, C>T on the plus strand (G>A on the coding strand, the complement: ROBO1 is on the minus strand). VCF-style: chr3-78614726-C-T. GRCh37 (hg19) VCF-style: chr3-78663876-C-T.
Other names: c.4222G>A, p.Ala1408Thr (NM_001145844.1, NM_133631.4); c.4057G>A, p.Ala1353Thr (NM_001145845.2); short protein forms A1408T, A1353T, A1453T.
Identifiers: ClinVar variation 2892064 (VCV002892064.3), dbSNP rs370200985, ClinGen allele CA2498096.